The following is an entry in ClinVar:

ClinVar aggregate classification (germline): Uncertain significance. Review status: criteria provided, multiple submitters, no conflicts (2 of 4 stars). 4 submissions from 3 submitters: Uncertain significance (3). 1 of the submissions does not count toward it. Last evaluated 2021-11-29.

Conditions:
Diabetes mellitus, transient neonatal, 2 (TNDM2). Identifiers: Orphanet 99886, MedGen C1835887, MONDO:0012480, OMIM 610374. Disease mechanism: loss of function.
Type 2 diabetes mellitus. Also called: Type II diabetes mellitus. Identifiers: MedGen C0011860, MeSH D003924, MONDO:0005148, OMIM 125853, HP:0005978.
Diabetes mellitus, permanent neonatal 3. Also called: ABCC8-Related Permanent Neonatal Diabetes Mellitus. Identifiers: MedGen C5394303, MONDO:0030088, OMIM 618857.
Hyperinsulinemic hypoglycemia, familial, 1 (HHF1). Also called: HYPERINSULINISM, FAMILIAL, WITH PANCREATIC NESIDIOBLASTOSIS; HYPOGLYCEMIA, HYPERINSULINEMIC, OF INFANCY; Persistent hyperinsulinemic hypoglycemia of infancy; Persistent Hyperinsulinemia Hypoglycemia of Infancy; NESIDIOBLASTOSIS OF PANCREAS. Identifiers: Orphanet 276575, Orphanet 276598, MedGen C2931832, MONDO:0009734, OMIM 256450.
Leucine-induced hypoglycemia (LIH). Also called: LEUCINE-SENSITIVE HYPOGLYCEMIA OF INFANCY. Identifiers: MedGen C0271714, MONDO:0009415, OMIM 240800.
Transitory neonatal diabetes mellitus. Also called: Transient neonatal diabetes mellitus. Identifiers: MedGen C0342273, MONDO:0020525, HP:0008255.
Hereditary hyperinsulinism.
Maturity-onset diabetes of the young (MODY). Also called: Maturity onset diabetes mellitus in young. Identifiers: Orphanet 552, MedGen C0342276, MONDO:0018911, HP:0004904.

Allele frequency attached by ClinVar (database versions not stated): TOPMed below 0.00001; gnomAD 0.00001; ExAC 0.00002; gnomAD exomes 0.00002.
gnomAD v4.1: 13 of 1,613,732 alleles (0.00081%); highest among the groups gnomAD compares: East Asian, 0.029%; no homozygotes.

Submissions (4):

Fulgent Genetics
Classification: Uncertain significance for Type 2 diabetes mellitus; Leucine-induced hypoglycemia; Hyperinsulinemic hypoglycemia, familial, 1; Diabetes mellitus, transient neonatal, 2; Diabetes mellitus, permanent neonatal 3. Last evaluated: 2021-11-29. Review status: criteria provided, single submitter. Criteria: ACMG Guidelines, 2015. Collection method: clinical testing. Allele origin: unknown.

Clinical Genomics, Uppaluri K&H Personalized Medicine Clinic
Classification: Uncertain significance for Maturity-onset diabetes of the young. Review status: criteria provided, single submitter. Criteria: K & H Uppaluri Personalized Medicine Clinic Variant Classification & Assertion Criteria_Updated V.1. Collection method: research. Allele origin: unknown. Inheritance: Somatic mutation.
Comment: Mutations in ABCC8 gene are associated with both neonatal diabetes mellitus as well as MODY. Patients with this mutation may have a better response to sulfonylureas. However, no sufficient evidence is found to ascertain the role of this particular variant (rs748585974) in MODY yet.

Clinical Genomics, Uppaluri K&H Personalized Medicine Clinic
Classification: Uncertain significance for Transitory neonatal diabetes mellitus. Review status: criteria provided, single submitter. Criteria: K & H Uppaluri Personalized Medicine Clinic Variant Classification & Assertion Criteria_Updated V.1. Collection method: research. Allele origin: unknown.
Comment: Mutations in ABCC8 gene are associated with both neonatal diabetes mellitus as well as MODY. Patients with this mutation may have a better response to sulfonylureas. However, no sufficient evidence is found to ascertain the role of this particular variant ( rs748585974) in neonatal diabetes yet.

Natera, Inc.
Classification: Uncertain significance for Hereditary hyperinsulinism. Last evaluated: 2020-04-10. Review status: no assertion criteria provided. Collection method: clinical testing. Allele origin: germline. Not counted in ClinVar's aggregate classification.

Literature cited by the submitters: PubMed 16885549 (cited by Clinical Genomics, Uppaluri K&H Personalized Medicine Clinic); PubMed 21989597 (cited by Clinical Genomics, Uppaluri K&H Personalized Medicine Clinic); PubMed 27538677 (cited by Clinical Genomics, Uppaluri K&H Personalized Medicine Clinic); PubMed 18981553 (cited by Clinical Genomics, Uppaluri K&H Personalized Medicine Clinic); PubMed 32027066 (cited by Clinical Genomics, Uppaluri K&H Personalized Medicine Clinic); PubMed 16613899 (cited by Clinical Genomics, Uppaluri K&H Personalized Medicine Clinic); PubMed 18025408 (cited by Clinical Genomics, Uppaluri K&H Personalized Medicine Clinic); PubMed 32792356 (cited by Clinical Genomics, Uppaluri K&H Personalized Medicine Clinic).

NM_000352.6(ABCC8):c.2753G>A (p.Arg918Lys)

Gene: ABCC8 (ATP binding cassette subfamily C member 8; minus strand). Cytogenetic location: 11p15.1.
Variant type: single nucleotide variant.
Coding change: c.2753G>A on transcript NM_000352.6 (MANE Select); coding-DNA position 2753, G replaced by A.
Protein change: p.Arg918Lys; replaces arginine 918 with lysine.
Molecular consequence: missense variant. On other transcripts: non-coding transcript variant (1).
Genome position (GRCh38, 1-based): chr11:17,408,459, C>T on the plus strand (G>A on the coding strand, the complement: ABCC8 is on the minus strand). VCF-style: chr11-17408459-C-T. GRCh37 (hg19) VCF-style: chr11-17430006-C-T.
Other names: c.2756G>A, p.Arg919Lys (NM_001287174.3); c.2819G>A, p.Arg940Lys (NM_001351295.2); c.2753G>A, p.Arg918Lys (NM_001351296.2); c.2750G>A, p.Arg917Lys (NM_001351297.2); short protein forms R917K, R918K, R919K, R940K.
Identifiers: ClinVar variation 990397 (VCV000990397.4), dbSNP rs748585974, ClinGen allele CA5903031.
Genomic context (GRCh38, chr11:17,408,459, plus strand): 5'-AGCTCTTGGTCCTGTCGGTTCATGAGGGTCTTCCAGTGCTCAAAGAGCTGGCATTCAGAC[C>T]TCTGGAAGTCCTTGAGGGTACCCTCCCTCTGGATGGTGCCATCCTTCATGGCAATGATCT-3'
Protein context (NP_000343.2, residues 908-928): QREGTLKDFQ[Arg918Lys]SECQLFEHWK